The following is an entry in ClinVar:

ClinVar aggregate classification (germline): Benign (1 of 4 stars; one submission).

Allele frequency attached by ClinVar (database versions not stated): 1000 Genomes Project 0.07188; 1000 Genomes Project 30x 0.07386; TOPMed 0.10964.
gnomAD v4.1: 76,934 of 606,820 alleles (13%); highest among the groups gnomAD compares: Non-Finnish European, 15%; 5,631 homozygotes.

Submission:

Unidad de Genómica Garrahan, Hospital de Pediatría Garrahan
Classification: Benign. Last evaluated: 2024-01-24. Review status: criteria provided, single submitter. Criteria: ACMG Guidelines, 2015. Collection method: clinical testing. Allele origin: germline. Affected: no. Observed: 19 variant alleles.
Comment: This variant is classified as Benign based on local population frequency. This variant was detected in 20% of patients studied by a panel of primary immunodeficiencies. Number of patients: 19. Only high quality variants are reported.

NM_015122.3(FCHO1):c.*152C>T

Gene: FCHO1 (FCH and mu domain containing endocytic adaptor 1; plus strand). Cytogenetic location: 19p13.11.
Variant type: single nucleotide variant.
Coding change: c.*152C>T on transcript NM_015122.3 (MANE Select); 152 bases downstream of the stop codon, C replaced by T.
Molecular consequence: 3 prime UTR variant. On other transcripts: non-coding transcript variant (36).
Genome position (GRCh38, 1-based): chr19:17,788,458, C>T. VCF-style: chr19-17788458-C-T. GRCh37 (hg19) VCF-style: chr19-17899267-C-T.
Other names: c.*160C>T (NM_001161357.2, NM_001384392.1); c.*152C>T (NM_001161358.2, NM_001161359.2, NM_001384370.1 and 31 more transcripts); c.*48C>T (NM_001384391.1, NM_001384404.1, NM_001384406.1).
Identifiers: ClinVar variation 2687921 (VCV002687921.2), dbSNP rs1052211, ClinGen allele CA15949013.